The following is an entry in ClinVar:

NM_080916.3(DGUOK):c.609_610del (p.Tyr204fs)

Gene: DGUOK (deoxyguanosine kinase; plus strand). Cytogenetic location: 2p13.1.
Variant type: Deletion.
Coding change: c.609_610del on transcript NM_080916.3 (MANE Select); coding-DNA positions 609 to 610, 2 bases deleted (GT; older notation c.609_610delGT).
Protein change: p.Tyr204fs; shifts the reading frame from tyrosine 204.
Molecular consequence: frameshift variant. On other transcripts: non-coding transcript variant (1), intron variant (2).
Genome position (GRCh38, 1-based): chr2:73,957,142-73,957,143, GT deleted; deleting any 2 consecutive bases within chr2:73,957,141-73,957,143 gives the same sequence; the c. name uses the placement nearest the transcript's 3' end. VCF-style (leftmost placement, unchanged base first): chr2-73957140-CTG-C. GRCh37 (hg19) VCF-style: chr2-74184267-CTG-C.
Other names: c.318_319del, p.Tyr107fs (NM_001318860.2, NM_001318861.2); c.300_301del, p.Tyr101fs (NM_001318862.2, NM_001318863.2); c.444-1004_444-1003del (NM_080918.3); c.426-1004_426-1003del (NM_001318859.2); c.609_610delGT (NM_080916.2); short protein forms Y204fs, Y107fs, Y101fs.
Identifiers: ClinVar variation 8156 (VCV000008156.5), dbSNP rs886037615, ClinGen allele CA10575501.

ClinVar aggregate classification (germline): Pathogenic. Review status: criteria provided, multiple submitters, no conflicts (2 of 4 stars). 3 submissions from 3 submitters: Pathogenic (2). 1 of the submissions does not count toward it. Last evaluated 2025-03-22.

Conditions:
DGUOK-related disorder. Also called: DGUOK-related condition.
Mitochondrial DNA depletion syndrome 3 (hepatocerebral type). Also called: Deoxyguanosine Kinase Deficiency; Mitochondrial DNA depletion syndrome, hepatocerebral form due to DGUOK deficiency; MITOCHONDRIAL DNA DEPLETION SYNDROME 3. Identifiers: Orphanet 279934, MedGen CN074093, MONDO:0009636, OMIM 251880.

Submissions (3):

PreventionGenetics, part of Exact Sciences
Classification: Pathogenic for DGUOK-related condition. Last evaluated: 2025-03-22. Review status: criteria provided, single submitter. Criteria: ACMG Guidelines, 2015. Collection method: clinical testing. Allele origin: germline.
Comment: The DGUOK c.609_610delGT variant is predicted to result in a frameshift and premature protein termination (p.Tyr204Profs*11). This variant was reported in the homozygous state in a patient with mitochondrial DNA depletion syndrome (Salviati et al. 2002. PubMed ID: 12205643). This variant has not been reported in a large population database, indicating this variant is rare. Frameshift variants in DGUOK are expected to be pathogenic. This variant is interpreted as pathogenic.

Labcorp Genetics (formerly Invitae), Labcorp
Classification: Pathogenic. Last evaluated: 2023-07-25. Review status: criteria provided, single submitter. Criteria: Invitae Variant Classification Sherloc (09022015). Collection method: clinical testing. Allele origin: germline.
Comment: For these reasons, this variant has been classified as Pathogenic. ClinVar contains an entry for this variant (Variation ID: 8156). This premature translational stop signal has been observed in individual(s) with mitochondrial DNA depletion (PMID: 12205643). This variant is not present in population databases (gnomAD no frequency). This sequence change creates a premature translational stop signal (p.Tyr204Profs*11) in the DGUOK gene. It is expected to result in an absent or disrupted protein product. Loss-of-function variants in DGUOK are known to be pathogenic (PMID: 18205204).

OMIM
Classification: Pathogenic for MITOCHONDRIAL DNA DEPLETION SYNDROME 3 (HEPATOCEREBRAL TYPE). Last evaluated: 2002-09-01. Review status: no assertion criteria provided. Collection method: literature only. Allele origin: germline. Not counted in ClinVar's aggregate classification.

Literature cited by the submitters: PubMed 12205643 (cited by Labcorp Genetics (formerly Invitae), Labcorp and OMIM); PubMed 18205204 (cited by Labcorp Genetics (formerly Invitae), Labcorp).